The following is an entry in ClinVar:

ClinVar aggregate classification (germline): Conflicting classifications of pathogenicity. Review status: criteria provided, conflicting classifications (1 of 4 stars). 3 submissions from 3 submitters: Uncertain significance (1); Benign (1); Likely benign (1). Last evaluated 2025-03-01.

Conditions:
RPS10-related disorder. Also called: RPS10-related condition.
Diamond-Blackfan anemia 9 (DBA9). Also called: RPS10-Related Diamond-Blackfan Anemia. Identifiers: Orphanet 124, MedGen C2750081, MONDO:0013216, OMIM 613308.

Allele frequency attached by ClinVar (database versions not stated): gnomAD 0.00006 and 0.00012; TOPMed 0.00008; ESP Exome Variant Server 0.00023; gnomAD exomes 0.00048; ExAC 0.00076.
gnomAD v4.1: 374 of 1,606,062 alleles (0.023%); highest among the groups gnomAD compares: South Asian, 0.27%; 3 homozygotes.

Submissions (3):

PreventionGenetics, part of Exact Sciences
Classification: Likely benign for RPS10-related condition. Last evaluated: 2025-03-01. Review status: criteria provided, single submitter. Criteria: ACMG Guidelines, 2015. Collection method: clinical testing. Allele origin: germline.
Comment: This variant is classified as likely benign based on ACMG/AMP sequence variant interpretation guidelines (Richards et al. 2015 PMID: 25741868, with internal and published modifications).

GeneDx
Classification: Uncertain significance. Last evaluated: 2025-01-28. Review status: criteria provided, single submitter. Criteria: GeneDx Variant Classification Process June 2021. Collection method: clinical testing. Allele origin: germline. Affected: yes.
Comment: In silico analysis supports a deleterious effect on splicing; Has not been previously published as pathogenic or benign to our knowledge

Illumina Laboratory Services, Illumina
Classification: Benign for Diamond-Blackfan anemia 9. Last evaluated: 2018-01-12. Review status: criteria provided, single submitter. Criteria: ICSL Variant Classification Criteria 13 December 2019. Collection method: clinical testing. Allele origin: germline.
Comment: This variant was observed in the ICSL laboratory as part of a predisposition screen in an ostensibly healthy population. It had not been previously curated by ICSL or reported in the Human Gene Mutation Database (HGMD: prior to June 1st, 2018), and was therefore a candidate for classification through an automated scoring system. Utilizing variant allele frequency, disease prevalence and penetrance estimates, and inheritance mode, an automated score was calculated to assess if this variant is too frequent to cause the disease. Based on the score and internal cut-off values, a variant classified as benign is not then subjected to further curation. The score for this variant resulted in a classification of benign for this disease.

NM_001014.5(RPS10):c.1-3C>G

Genes: RPS10 (ribosomal protein S10; minus strand), RPS10-NUDT3 (RPS10-NUDT3 readthrough; minus strand). Cytogenetic location: 6p21.31.
Variant type: single nucleotide variant.
Coding change: c.1-3C>G on transcript NM_001014.5 (MANE Select); 3 bases into the intron before coding-DNA position 1, C replaced by G.
Molecular consequence: intron variant.
Genome position (GRCh38, 1-based): chr6:34,425,224, G>C on the plus strand (C>G on the coding strand, the complement: RPS10 is on the minus strand). VCF-style: chr6-34425224-G-C. GRCh37 (hg19) VCF-style: chr6-34393001-G-C.
Other names: c.1-3C>G (NM_001203245.2, NM_001202470.3, NM_001204091.2 and 1 more transcripts).
Identifiers: ClinVar variation 356424 (VCV000356424.7), dbSNP rs375500787, ClinGen allele CA3765148.
Genomic context (GRCh38, chr6:34,425,224, plus strand): 5'-CTCCCTCCTTAAAAAGGAGTTCATAAATGGCAATCCGGTTCTTCTTAGGCATCAACATCT[G>C]CAAGAAGGAGACGATTGTCAAGAGCACTTCTGAGTAACGAGGCCGGGGCCCGGTAATCAA-3'